The following is an entry in ClinVar:

NM_015102.5(NPHP4):c.3538A>T (p.Ile1180Phe)

Gene: NPHP4 (nephrocystin 4; minus strand). Cytogenetic location: 1p36.31.
Variant type: single nucleotide variant.
Coding change: c.3538A>T on transcript NM_015102.5 (MANE Select); coding-DNA position 3538, A replaced by T.
Protein change: p.Ile1180Phe; replaces isoleucine 1180 with phenylalanine.
Molecular consequence: missense variant. On other transcripts: non-coding transcript variant (1).
Genome position (GRCh38, 1-based): chr1:5,867,050, T>A on the plus strand (A>T on the coding strand, the complement: NPHP4 is on the minus strand). VCF-style: chr1-5867050-T-A. GRCh37 (hg19) VCF-style: chr1-5927110-T-A.
Other names: c.3538A>T (NM_015102.4); c.1999A>T, p.Ile667Phe (NM_001291593.2); c.2002A>T, p.Ile668Phe (NM_001291594.2); short protein forms I667F, I1180F, I668F.
Identifiers: ClinVar variation 1035326 (VCV001035326.6), dbSNP rs956330607, ClinGen allele CA17130128.

ClinVar aggregate classification (germline): Uncertain significance. Review status: criteria provided, multiple submitters, no conflicts (2 of 4 stars). 3 submissions from 3 submitters: Uncertain significance (2). 1 of the submissions does not count toward it. Last evaluated 2024-05-10.

Conditions:
Nephronophthisis. Also called: Juvenile Nephronophthisis. Identifiers: Orphanet 655, MedGen C0687120, MONDO:0019005, HP:0000090.
Nephronophthisis 4 (NPHP4). Also called: NEPHRONOPHTHISIS 4, JUVENILE. Identifiers: Orphanet 655, MedGen C1847013, MONDO:0011752, OMIM 606966.
Senior-Loken syndrome 4 (SLSN4). Identifiers: Orphanet 3156, MedGen C1846979, MONDO:0011756, OMIM 606996.
NPHP4-related disorder. Also called: NPHP4-related condition; NPHP4-related disorders. Identifiers: MedGen CN239384.

Allele frequency attached by ClinVar (database versions not stated): gnomAD exomes below 0.00001; TOPMed 0.00002.
gnomAD v4.1: 10 of 1,613,022 alleles (0.00062%); highest among the groups gnomAD compares: Admixed American, 0.0017%; no homozygotes.

Submissions (3):

Fulgent Genetics
Classification: Uncertain significance for Nephronophthisis 4; Senior-Loken syndrome 4. Last evaluated: 2024-05-10. Review status: criteria provided, single submitter. Criteria: ACMG Guidelines, 2015. Collection method: clinical testing. Allele origin: germline.

Labcorp Genetics (formerly Invitae), Labcorp
Classification: Uncertain significance for Nephronophthisis. Last evaluated: 2023-12-07. Review status: criteria provided, single submitter. Criteria: Invitae Variant Classification Sherloc (09022015). Collection method: clinical testing. Allele origin: germline.
Comment: This sequence change replaces isoleucine, which is neutral and non-polar, with phenylalanine, which is neutral and non-polar, at codon 1180 of the NPHP4 protein (p.Ile1180Phe). This variant is present in population databases (no rsID available, gnomAD 0.0009%). This variant has not been reported in the literature in individuals affected with NPHP4-related conditions. ClinVar contains an entry for this variant (Variation ID: 1035326). Advanced modeling of protein sequence and biophysical properties (such as structural, functional, and spatial information, amino acid conservation, physicochemical variation, residue mobility, and thermodynamic stability) performed at Invitae indicates that this missense variant is expected to disrupt NPHP4 protein function with a positive predictive value of 80%. In summary, the available evidence is currently insufficient to determine the role of this variant in disease. Therefore, it has been classified as a Variant of Uncertain Significance.

PreventionGenetics, part of Exact Sciences
Classification: Uncertain significance for NPHP4-related condition. Last evaluated: 2024-05-14. Review status: no assertion criteria provided. Collection method: clinical testing. Allele origin: germline. Not counted in ClinVar's aggregate classification.
Comment: The NPHP4 c.3538A>T variant is predicted to result in the amino acid substitution p.Ile1180Phe. To our knowledge, this variant has not been reported in the literature. This variant is reported in 0.00089% of alleles in individuals of European (Non-Finnish) descent in gnomAD. At this time, the clinical significance of this variant is uncertain due to the absence of conclusive functional and genetic evidence.